The following is an entry in ClinVar:

ClinVar aggregate classification (germline): Likely benign. Review status: criteria provided, single submitter (1 of 4 stars). 2 submissions from 2 submitters: Likely benign (1). 1 of the submissions does not count toward it. Last evaluated 2021-09-15.

Conditions:
CREBBP-related disorder. Also called: CREBBP-related condition; CREBBP-related disorders.
Rubinstein-Taybi syndrome (RSTS). Identifiers: Orphanet 783, MedGen C0035934, MONDO:0019188.

Allele frequency attached by ClinVar (database versions not stated): gnomAD exomes below 0.00001; TOPMed below 0.00001; ExAC 0.00001.
gnomAD v4.1: 2 of 1,613,174 alleles (0.00012%); highest among the groups gnomAD compares: Non-Finnish European, 0.000085%; no homozygotes.

Submissions (2):

Labcorp Genetics (formerly Invitae), Labcorp
Classification: Likely benign for Rubinstein-Taybi syndrome. Last evaluated: 2021-09-15. Review status: criteria provided, single submitter. Criteria: Invitae Variant Classification Sherloc (09022015). Collection method: clinical testing. Allele origin: germline.

PreventionGenetics, part of Exact Sciences
Classification: Likely benign for CREBBP-related condition. Last evaluated: 2024-02-07. Review status: no assertion criteria provided. Collection method: clinical testing. Allele origin: germline. Not counted in ClinVar's aggregate classification.
Comment: This variant is classified as likely benign based on ACMG/AMP sequence variant interpretation guidelines (Richards et al. 2015 PMID: 25741868, with internal and published modifications).

NM_004380.3(CREBBP):c.987A>G (p.Gln329=)

Gene: CREBBP (CREB binding lysine acetyltransferase; minus strand). Cytogenetic location: 16p13.3.
Variant type: single nucleotide variant.
Coding change: c.987A>G on transcript NM_004380.3 (MANE Select); coding-DNA position 987, A replaced by G.
Protein change: p.Gln329=; no amino-acid change (glutamine 329 retained).
Molecular consequence: synonymous variant.
Genome position (GRCh38, 1-based): chr16:3,793,615, T>C on the plus strand (A>G on the coding strand, the complement: CREBBP is on the minus strand). VCF-style: chr16-3793615-T-C. GRCh37 (hg19) VCF-style: chr16-3843616-T-C.
Other names: c.987A>G, p.Gln329= (NM_001079846.1); c.987A>G (NM_004380.2).
Identifiers: ClinVar variation 1570638 (VCV001570638.10), dbSNP rs778596455, ClinGen allele CA7870526.